The following is an entry in ClinVar:

NM_001379291.1(BRD4):c.2389C>T (p.Pro797Ser)

Gene: BRD4 (bromodomain containing 4; minus strand). Cytogenetic location: 19p13.12.
Variant type: single nucleotide variant.
Coding change: c.2389C>T on transcript NM_001379291.1 (MANE Select); coding-DNA position 2389, C replaced by T.
Protein change: p.Pro797Ser; replaces proline 797 with serine.
Molecular consequence: missense variant.
Genome position (GRCh38, 1-based): chr19:15,244,423, G>A on the plus strand (C>T on the coding strand, the complement: BRD4 is on the minus strand). VCF-style: chr19-15244423-G-A. GRCh37 (hg19) VCF-style: chr19-15355234-G-A.
Other names: c.2389C>T, p.Pro797Ser (NM_058243.3); short protein forms P797S.
Identifiers: ClinVar variation 3348879 (VCV003348879.1).
Genomic context (GRCh38, chr19:15,244,423, plus strand): 5'-AGACGCTGCCTGGGAGCTGGGGCTCCAGGACGGGCACCTGGGTGGCAATGAAGGGTGGGG[G>A]CGAGGACTTCATCGCCGGGGCTGCCTGCTGCGGCATGGAGGGTGGGGGAGGCGGGGGTGG-3'
Protein context (NP_001366220.1, residues 787-807): QQAAPAMKSS[Pro797Ser]PPFIATQVPV

ClinVar aggregate classification (germline): Uncertain significance (0 of 4 stars; one submission).

Conditions:
BRD4-related disorder. Also called: BRD4-related condition.

gnomAD v4.1: 1 of 1,590,934 alleles (0.000063%); highest among the groups gnomAD compares: Non-Finnish European, 0.000085%; no homozygotes.

Submission:

PreventionGenetics, part of Exact Sciences
Classification: Uncertain significance for BRD4-related condition. Last evaluated: 2024-04-25. Review status: no assertion criteria provided. Collection method: clinical testing. Allele origin: germline.
Comment: The BRD4 c.2389C>T variant is predicted to result in the amino acid substitution p.Pro797Ser. To our knowledge, this variant has not been reported in the literature or in a large population database, indicating this variant is rare. At this time, the clinical significance of this variant is uncertain due to the absence of conclusive functional and genetic evidence.